The following is an entry in ClinVar:

NM_001127208.3(TET2):c.409A>C (p.Ser137Arg)

Genes: TET2 (tet methylcytosine dioxygenase 2; plus strand), TET2-AS1 (TET2 antisense RNA 1; minus strand). Cytogenetic location: 4q24.
Variant type: single nucleotide variant.
Coding change: c.409A>C on transcript NM_001127208.3 (MANE Select); coding-DNA position 409, A replaced by C.
Protein change: p.Ser137Arg; replaces serine 137 with arginine.
Molecular consequence: missense variant.
Genome position (GRCh38, 1-based): chr4:105,234,351, A>C. VCF-style: chr4-105234351-A-C. GRCh37 (hg19) VCF-style: chr4-106155508-A-C.
Other names: c.409A>C, p.Ser137Arg (NM_017628.4); short protein forms S137R.
Identifiers: ClinVar variation 3806052 (VCV003806052.1).
Genomic context (GRCh38, chr4:105,234,351, plus strand): 5'-AAGGCTAATGGAGAAAGACGTAACTTCGGGGTAAGCCAAGAAAGAAATCCAGGTGAAAGC[A>C]GTCAACCAAATGTCTCCGATTTGAGTGATAAGAAAGAATCTGTGAGTTCTGTAGCCCAAG-3'
Protein context (NP_001120680.1, residues 127-147): VSQERNPGES[Ser137Arg]QPNVSDLSDK

ClinVar aggregate classification (germline): Uncertain significance (1 of 4 stars; one submission).

gnomAD v4.1: 1 of 1,614,090 alleles (0.000062%); highest among the groups gnomAD compares: Non-Finnish European, 0.000085%; no homozygotes.

Submission:

Ambry Genetics
Classification: Uncertain significance. Last evaluated: 2025-02-14. Review status: criteria provided, single submitter. Criteria: Ambry Variant Classification Scheme 2023. Collection method: clinical testing. Allele origin: germline.
Comment: The p.S137R variant (also known as c.409A>C), located in coding exon 1 of the TET2 gene, results from an A to C substitution at nucleotide position 409. The serine at codon 137 is replaced by arginine, an amino acid with dissimilar properties. This amino acid position is conserved. In addition, this alteration is predicted to be tolerated by in silico analysis. Based on the available evidence, the clinical significance of this variant remains unclear.